The following is an entry in ClinVar:

ClinVar aggregate classification (germline): Uncertain significance. Review status: criteria provided, multiple submitters, no conflicts (2 of 4 stars). 3 submissions from 3 submitters: Uncertain significance (3). Last evaluated 2025-08-10.

Conditions:
Inborn genetic diseases. Identifiers: MedGen C0950123, MeSH D030342.
ALG12-congenital disorder of glycosylation (CDG1G). Also called: CDG Ig; Congenital disorder of glycosylation, type Ig; ALG12-CDG. Identifiers: Orphanet 79324, MedGen C2931001, MONDO:0011783, OMIM 607143.

Allele frequency attached by ClinVar (database versions not stated): ExAC 0.00002; TOPMed 0.00002; gnomAD exomes 0.00003; gnomAD 0.00004; ESP Exome Variant Server 0.00008.

Submissions (3):

Ambry Genetics
Classification: Uncertain significance for Inborn genetic diseases. Last evaluated: 2025-08-10. Review status: criteria provided, single submitter. Criteria: Ambry Variant Classification Scheme 2023. Collection method: clinical testing. Allele origin: germline.

Labcorp Genetics (formerly Invitae), Labcorp
Classification: Uncertain significance for ALG12-congenital disorder of glycosylation. Last evaluated: 2022-09-12. Review status: criteria provided, single submitter. Criteria: Invitae Variant Classification Sherloc (09022015). Collection method: clinical testing. Allele origin: germline.
Comment: This sequence change replaces leucine, which is neutral and non-polar, with phenylalanine, which is neutral and non-polar, at codon 304 of the ALG12 protein (p.Leu304Phe). This variant is present in population databases (rs375631589, gnomAD 0.007%). This variant has not been reported in the literature in individuals affected with ALG12-related conditions. ClinVar contains an entry for this variant (Variation ID: 342047). Advanced modeling of protein sequence and biophysical properties (such as structural, functional, and spatial information, amino acid conservation, physicochemical variation, residue mobility, and thermodynamic stability) performed at Invitae indicates that this missense variant is not expected to disrupt ALG12 protein function. In summary, the available evidence is currently insufficient to determine the role of this variant in disease. Therefore, it has been classified as a Variant of Uncertain Significance.

Illumina Laboratory Services, Illumina
Classification: Uncertain significance for ALG12-congenital disorder of glycosylation. Last evaluated: 2018-01-13. Review status: criteria provided, single submitter. Criteria: ICSL Variant Classification Criteria 13 December 2019. Collection method: clinical testing. Allele origin: germline.

NM_024105.4(ALG12):c.910C>T (p.Leu304Phe)

Gene: ALG12 (ALG12 alpha-1,6-mannosyltransferase; minus strand). Cytogenetic location: 22q13.33.
Variant type: single nucleotide variant.
Coding change: c.910C>T on transcript NM_024105.4 (MANE Select); coding-DNA position 910, C replaced by T.
Protein change: p.Leu304Phe; replaces leucine 304 with phenylalanine.
Molecular consequence: missense variant.
Genome position (GRCh38, 1-based): chr22:49,907,803, G>A on the plus strand (C>T on the coding strand, the complement: ALG12 is on the minus strand). VCF-style: chr22-49907803-G-A. GRCh37 (hg19) VCF-style: chr22-50301451-G-A.
Other names: short protein forms L304F.
Identifiers: ClinVar variation 342047 (VCV000342047.8), dbSNP rs375631589, ClinGen allele CA10300404.